The following is an entry in ClinVar:

ClinVar aggregate classification (germline): Uncertain significance. Review status: criteria provided, multiple submitters, no conflicts (2 of 4 stars). 2 submissions from 2 submitters: Uncertain significance (2). Last evaluated 2025-05-24.

Conditions:
Pancreatic adenocarcinoma. Identifiers: MedGen C0281361, MONDO:0006047, HP:0006725.

Allele frequency attached by ClinVar (database versions not stated): TOPMed below 0.00001.
gnomAD v4.1: 1 of 1,607,428 alleles (0.000062%); no homozygotes.

Submissions (2):

Ambry Genetics
Classification: Uncertain significance. Last evaluated: 2025-05-24. Review status: criteria provided, single submitter. Criteria: Ambry Variant Classification Scheme 2023. Collection method: clinical testing. Allele origin: germline.
Comment: The p.D454A variant (also known as c.1361A>C), located in coding exon 8 of the PALLD gene, results from an A to C substitution at nucleotide position 1361. The aspartic acid at codon 454 is replaced by alanine, an amino acid with dissimilar properties. This amino acid position is conserved. In addition, the in silico prediction for this alteration is inconclusive. Based on the available evidence, the clinical significance of this variant remains unclear.

Labcorp Genetics (formerly Invitae), Labcorp
Classification: Uncertain significance for Pancreatic adenocarcinoma. Last evaluated: 2020-07-13. Review status: criteria provided, single submitter. Criteria: Invitae Variant Classification Sherloc (09022015). Collection method: clinical testing. Allele origin: germline.
Comment: In summary, the available evidence is currently insufficient to determine the role of this variant in disease. Therefore, it has been classified as a Variant of Uncertain Significance. Algorithms developed to predict the effect of missense changes on protein structure and function are either unavailable or do not agree on the potential impact of this missense change (SIFT: "Deleterious"; PolyPhen-2: "Benign"; Align-GVGD: "Class C65"). This variant has not been reported in the literature in individuals with PALLD-related conditions. This variant is not present in population databases (ExAC no frequency). This sequence change replaces aspartic acid with alanine at codon 454 of the PALLD protein (p.Asp454Ala). The aspartic acid residue is highly conserved and there is a moderate physicochemical difference between aspartic acid and alanine.

NM_001166108.2(PALLD):c.2873A>C (p.Asp958Ala)

Genes: CBR4 (carbonyl reductase 4; minus strand), PALLD (palladin, cytoskeletal associated protein; plus strand). Cytogenetic location: 4q32.3.
Variant type: single nucleotide variant.
Coding change: c.2873A>C on transcript NM_001166108.2 (MANE Select); coding-DNA position 2873, A replaced by C.
Protein change: p.Asp958Ala; replaces aspartic acid 958 with alanine.
Molecular consequence: missense variant.
Genome position (GRCh38, 1-based): chr4:168,921,556, A>C. VCF-style: chr4-168921556-A-C. GRCh37 (hg19) VCF-style: chr4-169842707-A-C.
Other names: c.1361A>C (NM_001166110.1); c.1676A>C, p.Asp559Ala (NM_001166109.2); c.1361A>C, p.Asp454Ala (NM_001166110.2); c.701A>C, p.Asp234Ala (NM_001367567.1, NM_001367569.1); c.752A>C, p.Asp251Ala (NM_001367568.1, NM_001367570.1); c.2822A>C, p.Asp941Ala (NM_016081.4); short protein forms D234A, D251A, D454A, D559A, D941A, D958A.
Identifiers: ClinVar variation 1060650 (VCV001060650.10), dbSNP rs1761523394, ClinGen allele CA358708355.